The following is an entry in ClinVar:

NM_000264.5(PTCH1):c.3423G>A (p.Ala1141=)

Gene: PTCH1 (patched 1; minus strand). Cytogenetic location: 9q22.32.
Variant type: single nucleotide variant.
Coding change: c.3423G>A on transcript NM_000264.5 (MANE Select); coding-DNA position 3423, G replaced by A.
Protein change: p.Ala1141=; no amino-acid change (alanine 1141 retained).
Molecular consequence: synonymous variant. On other transcripts: non-coding transcript variant (1).
Genome position (GRCh38, 1-based): chr9:95,453,504, C>T on the plus strand (G>A on the coding strand, the complement: PTCH1 is on the minus strand). VCF-style: chr9-95453504-C-T. GRCh37 (hg19) VCF-style: chr9-98215786-C-T.
Other names: c.3225G>A, p.Ala1075= (NM_001083602.3); c.3420G>A, p.Ala1140= (NM_001083603.3); c.2970G>A, p.Ala990= (NM_001083604.3, NM_001083605.3, NM_001083606.3 and 1 more transcripts); c.3267G>A, p.Ala1089= (NM_001354918.2).
Identifiers: ClinVar variation 216382 (VCV000216382.21), dbSNP rs745948150, ClinGen allele CA337965.
Genomic context (GRCh38, chr9:95,453,504, plus strand): 5'-TCTAAAACATGTCTCCTTGCACACGCCTGCTTACCTGACAATGAAGTCGAACTCAGATCC[C>T]GCCAGCATCAGCACTCCCAGCAGAGTGGACACGGCGCCATCCAGGACGGGTGCAAACATG-3'
Protein context (NP_000255.2, residues 1131-1151): VSTLLGVLML[Ala1141=]GSEFDFIVRY

ClinVar aggregate classification (germline): Conflicting classifications of pathogenicity. Review status: criteria provided, conflicting classifications (1 of 4 stars). 6 submissions from 5 submitters: Uncertain significance (1); Likely benign (4). 1 of the submissions does not count toward it. Last evaluated 2026-01-26.

Conditions:
Hereditary cancer-predisposing syndrome. Also called: Tumor predisposition; Hereditary Cancer Syndrome; Neoplastic Syndromes, Hereditary; Hereditary neoplastic syndrome. Identifiers: Orphanet 140162, MedGen C0027672, MeSH D009386, MONDO:0015356.
Holoprosencephaly 7 (HPE7). Identifiers: Orphanet 2162, MedGen C1835820, MONDO:0012562, OMIM 610828.
Gorlin syndrome. Also called: Nevoid Basal Cell Carcinoma Syndrome; Basal cell nevus syndrome. Identifiers: Orphanet 377, MedGen C0004779, MONDO:0007187.
PTCH1-related disorder. Also called: PTCH1-related disorders; PTCH1-related condition.

Allele frequency attached by ClinVar (database versions not stated): gnomAD below 0.00001 and 0.00001; TOPMed below 0.00001; gnomAD exomes 0.00001 and 0.00002; ExAC 0.00002.
gnomAD v4.1: 20 of 1,614,042 alleles (0.0012%); highest among the groups gnomAD compares: South Asian, 0.0077%; no homozygotes.

Submissions (6):

Labcorp Genetics (formerly Invitae), Labcorp
Classification: Likely benign for Gorlin syndrome. Last evaluated: 2026-01-26. Review status: criteria provided, single submitter. Criteria: Invitae Variant Classification Sherloc (09022015). Collection method: clinical testing. Allele origin: germline.

Quest Diagnostics Nichols Institute San Juan Capistrano
Classification: Uncertain significance. Last evaluated: 2021-07-20. Review status: criteria provided, single submitter. Criteria: Quest Diagnostics criteria. Collection method: clinical testing. Allele origin: unknown.

Illumina Laboratory Services, Illumina
Classification: Likely benign for Holoprosencephaly 7. Last evaluated: 2018-01-13. Review status: criteria provided, single submitter. Criteria: ICSL Variant Classification Criteria 13 December 2019. Collection method: clinical testing. Allele origin: germline.
Comment: This variant was observed in the ICSL laboratory as part of a predisposition screen in an ostensibly healthy population. It had not been previously curated by ICSL or reported in the Human Gene Mutation Database (HGMD: prior to June 1st, 2018), and was therefore a candidate for classification through an automated scoring system. Utilizing variant allele frequency, disease prevalence and penetrance estimates, and inheritance mode, an automated score was calculated to assess if this variant is too frequent to cause the disease. Based on the score and internal cut-off values, a variant classified as likely benign is not then subjected to further curation. The score for this variant resulted in a classification of likely benign for this disease.

Illumina Laboratory Services, Illumina
Classification: Likely benign for Basal cell nevus syndrome 1. Last evaluated: 2018-01-13. Review status: criteria provided, single submitter. Criteria: ICSL Variant Classification Criteria 13 December 2019. Collection method: clinical testing. Allele origin: germline.
Comment: the same text as in the submission from Illumina Laboratory Services, Illumina above.

Ambry Genetics
Classification: Likely benign for Hereditary cancer-predisposing syndrome. Last evaluated: 2017-08-18. Review status: criteria provided, single submitter. Criteria: Ambry Variant Classification Scheme 2023. Collection method: clinical testing. Allele origin: germline.

PreventionGenetics, part of Exact Sciences
Classification: Likely benign for PTCH1-related condition. Last evaluated: 2024-09-10. Review status: no assertion criteria provided. Collection method: clinical testing. Allele origin: germline. Not counted in ClinVar's aggregate classification.
Comment: This variant is classified as likely benign based on ACMG/AMP sequence variant interpretation guidelines (Richards et al. 2015 PMID: 25741868, with internal and published modifications).